The following is an entry in ClinVar:

ClinVar aggregate classification (germline): Likely pathogenic. Review status: criteria provided, multiple submitters, no conflicts (2 of 4 stars). 2 submissions from 2 submitters: Likely pathogenic (2). Last evaluated 2025-08-18.

Conditions:
Retinitis pigmentosa 25 (RP25). Identifiers: Orphanet 791, MedGen C1864446, MONDO:0011272, OMIM 602772.

Submissions (2):

Natera, Inc.
Classification: Likely pathogenic for Retinitis pigmentosa type 25. Last evaluated: 2025-08-18. Review status: criteria provided, single submitter. Criteria: Natera Variant Classification Schema (03/2026). Collection method: clinical testing. Allele origin: germline.
Comment: The c.-40_3dup variant in EYS is predicted to result in start loss due to disruption of the initiator methionine. This variant is expected to result in nonsense mediated decay, truncation, or a dysfunctional protein product. This variant is rare in the general population with a frequency below the threshold expected for the associated phenotype(s). Given the available evidence, this variant is classified as Likely Pathogenic.

Baylor Genetics
Classification: Likely pathogenic for Retinitis pigmentosa 25. Last evaluated: 2022-05-21. Review status: criteria provided, single submitter. Criteria: ACMG Guidelines, 2015. Collection method: clinical testing. Allele origin: unknown.

NM_001142800.2(EYS):c.-40_3dup (p.Thr2fs)

Gene: EYS (EGF-like photoreceptor maintenance factor; minus strand). Cytogenetic location: 6q12.
Variant type: Duplication.
Coding change: c.-40_3dup on transcript NM_001142800.2 (MANE Select); 40 bases upstream of the start codon through coding-DNA position 3, 43 bases duplicated.
Protein change: p.Thr2fs; shifts the reading frame from threonine 2.
Molecular consequence: frameshift variant, initiator codon variant.
Genome position (GRCh38, 1-based): chr6:65,495,408-65,495,450, 43 bases duplicated; duplicating any 43 consecutive bases within chr6:65,495,408-65,495,451 gives the same sequence; the c. name uses the placement nearest the transcript's 3' end. GRCh37 (hg19): chr6:66,205,302-66,205,344.
Other names: c.-40_3dup, p.Thr2fs (NM_001142801.2, NM_001292009.2, NM_198283.2); c.-40_3dup (NM_001142800.1); short protein forms T2fs.
Identifiers: ClinVar variation 2675329 (VCV002675329.2), dbSNP rs2533031069, ClinGen allele CA2695198272.